The following is an entry in ClinVar:

ClinVar aggregate classification (germline): Uncertain significance (1 of 4 stars; one submission).

Conditions:
Inborn genetic diseases. Identifiers: MedGen C0950123, MeSH D030342.

gnomAD v4.1: 4 of 1,614,056 alleles (0.00025%); highest among the groups gnomAD compares: African/African-American, 0.004%; no homozygotes.

Submission:

Ambry Genetics
Classification: Uncertain significance for Inborn genetic diseases. Last evaluated: 2026-05-14. Review status: criteria provided, single submitter. Criteria: Ambry Variant Classification Scheme 2023. Collection method: clinical testing. Allele origin: germline.
Comment: The p.D210E variant (also known as c.630T>G), located in coding exon 1 of the SAMD9 gene, results from a T to G substitution at nucleotide position 630. The aspartic acid at codon 210 is replaced by glutamic acid, an amino acid with highly similar properties. This amino acid position is conserved. In addition, this alteration is predicted to be tolerated by in silico analysis. Based on the available evidence, the clinical significance of this variant remains unclear.

NM_017654.4(SAMD9):c.630T>G (p.Asp210Glu)

Gene: SAMD9 (sterile alpha motif domain containing 9; minus strand). Cytogenetic location: 7q21.2.
Variant type: single nucleotide variant.
Coding change: c.630T>G on transcript NM_017654.4 (MANE Select); coding-DNA position 630, T replaced by G.
Protein change: p.Asp210Glu; replaces aspartic acid 210 with glutamic acid.
Molecular consequence: missense variant.
Genome position (GRCh38, 1-based): chr7:93,105,468, A>C on the plus strand (T>G on the coding strand, the complement: SAMD9 is on the minus strand). VCF-style: chr7-93105468-A-C. GRCh37 (hg19) VCF-style: chr7-92734781-A-C.
Other names: c.630T>G, p.Asp210Glu (NM_001193307.2); short protein forms D210E.
Identifiers: ClinVar variation 4863853 (VCV004863853.1).